The following is an entry in ClinVar:

NM_138927.4(SON):c.2498C>G (p.Ser833Cys)

Gene: SON (SON DNA and RNA binding protein; plus strand). Cytogenetic location: 21q22.11.
Variant type: single nucleotide variant.
Coding change: c.2498C>G on transcript NM_138927.4 (MANE Select); coding-DNA position 2498, C replaced by G.
Protein change: p.Ser833Cys; replaces serine 833 with cysteine.
Molecular consequence: missense variant. On other transcripts: non-coding transcript variant (1), intron variant (1).
Genome position (GRCh38, 1-based): chr21:33,551,729, C>G. VCF-style: chr21-33551729-C-G. GRCh37 (hg19) VCF-style: chr21-34924035-C-G.
Other names: c.2498C>G, p.Ser833Cys (NM_001291411.2, NM_032195.3); c.244+5350C>G (NM_001291412.3); short protein forms S833C.
Identifiers: ClinVar variation 4798963 (VCV004798963.1).

ClinVar aggregate classification (germline): Uncertain significance (1 of 4 stars; one submission).

Submission:

Labcorp Genetics (formerly Invitae), Labcorp
Classification: Uncertain significance. Last evaluated: 2025-05-26. Review status: criteria provided, single submitter. Criteria: Invitae Variant Classification Sherloc (09022015). Collection method: clinical testing. Allele origin: germline.
Comment: This sequence change replaces serine, which is neutral and polar, with cysteine, which is neutral and slightly polar, at codon 833 of the SON protein (p.Ser833Cys). This variant is present in population databases (no rsID available, gnomAD 0.007%). This variant has not been reported in the literature in individuals affected with SON-related conditions. An algorithm developed to predict the effect of missense changes on protein structure and function (PolyPhen-2) suggests that this variant is likely to be disruptive. In summary, the available evidence is currently insufficient to determine the role of this variant in disease. Therefore, it has been classified as a Variant of Uncertain Significance.